The following is an entry in ClinVar:

NM_014249.4(NR2E3):c.245+3_245+27del

Gene: NR2E3 (nuclear receptor subfamily 2 group E member 3; plus strand). Cytogenetic location: 15q23.
Variant type: Deletion.
Coding change: c.245+3_245+27del on transcript NM_014249.4 (MANE Select); bases 3 to 27 of the intron after coding-DNA position 245, 25 bases deleted (GAGTGCGGTGGGCCCTGCTGGGCGT).
Molecular consequence: splice donor variant.
Genome position (GRCh38, 1-based): chr15:71,811,612-71,811,636, GAGTGCGGTGGGCCCTGCTGGGCGT deleted; deleting any 25 consecutive bases within chr15:71,811,610-71,811,636 gives the same sequence; the c. name uses the placement nearest the transcript's 3' end. VCF-style (leftmost placement, unchanged base first): chr15-71811609-GGTGAGTGCGGTGGGCCCTGCTGGGC-G. GRCh37 (hg19) VCF-style: chr15-72103949-GGTGAGTGCGGTGGGCCCTGCTGGGC-G.
Other names: c.245+3_245+27del (NM_016346.4).
Identifiers: ClinVar variation 2006461 (VCV002006461.4), dbSNP rs2543253435, ClinGen allele CA2580089924.

ClinVar aggregate classification (germline): Uncertain significance (1 of 4 stars; one submission).

Submission:

Labcorp Genetics (formerly Invitae), Labcorp
Classification: Uncertain significance. Last evaluated: 2022-06-14. Review status: criteria provided, single submitter. Criteria: Invitae Variant Classification Sherloc (09022015). Collection method: clinical testing. Allele origin: germline.
Comment: This sequence change falls in intron 2 of the NR2E3 gene. It does not directly change the encoded amino acid sequence of the NR2E3 protein. It affects a nucleotide within the consensus splice site. This variant is not present in population databases (gnomAD no frequency). This variant has not been reported in the literature in individuals affected with NR2E3-related conditions. Variants that disrupt the consensus splice site are a relatively common cause of aberrant splicing (PMID: 17576681, 9536098). Experimental studies and prediction algorithms are not available or were not evaluated, and the effect of this variant on mRNA splicing is currently unknown. In summary, the available evidence is currently insufficient to determine the role of this variant in disease. Therefore, it has been classified as a Variant of Uncertain Significance.

Literature cited by the submitters: PubMed 17576681; PubMed 9536098.